The following is an entry in ClinVar:

ClinVar aggregate classification (germline): Uncertain significance (1 of 4 stars; one submission).

Submission:

Dasa
Classification: Uncertain significance. Last evaluated: 2025-01-28. Review status: criteria provided, single submitter. Criteria: DASA Assertion Criteria. Collection method: clinical testing. Allele origin: germline.
Comment: NM_003737.4(DCHS1):c.5119_5127del (p.Arg1707_Leu1709del) is an in-frame deletion predicted to remove amino acids from arginine at protein position 1707 through leucine at protein position 1709 without shifting the reading frame. This variant is absent from population databases. The currently available literature and clinical evidence are not sufficient to establish a definitive association between this variant and the reported condition. Therefore, this variant is classified as a variant of uncertain significance.

NM_003737.4(DCHS1):c.5119_5127del (p.Arg1707_Leu1709del)

Gene: DCHS1 (dachsous cadherin-related 1; minus strand). Cytogenetic location: 11p15.4.
Variant type: Deletion.
Coding change: c.5119_5127del on transcript NM_003737.4 (MANE Select); coding-DNA positions 5119 to 5127, 9 bases deleted (CGGGCCCTG; older notation c.5119_5127delCGGGCCCTG).
Protein change: p.Arg1707_Leu1709del.
Molecular consequence: inframe deletion.
Genome position (GRCh38, 1-based): chr11:6,629,486-6,629,494, CAGGGCCCG deleted on the plus strand (CGGGCCCTG on the coding strand, the reverse complement: DCHS1 is on the minus strand). VCF-style (leftmost placement, unchanged base first): chr11-6629485-CCAGGGCCCG-C. GRCh37 (hg19) VCF-style: chr11-6650716-CCAGGGCCCG-C.
Identifiers: ClinVar variation 4886363 (VCV004886363.2).
Genomic context (GRCh38, chr11:6,629,485, plus strand): 5'-GGCTCTTGGGGTCCTGTCAACATGTACCTGTCAGGTTGATCTCCTCCTGTTCCTCTCGAT[CCAGGGCCCG>C]AAGAGTCGTGAGAACACCAGTGTCAGGATCCAGAGAAAAGCTTTCGCTAGAGACGCCTCC-3'